The following is an entry in ClinVar:

ClinVar aggregate classification (germline): Uncertain significance. Review status: criteria provided, multiple submitters, no conflicts (2 of 4 stars). 2 submissions from 2 submitters: Uncertain significance (2). Last evaluated 2023-06-07.

Conditions:
RYR1-related disorder. Also called: RYR1-related condition; RYR1-related disorders. Identifiers: MedGen CN239331.

Submissions (2):

Revvity Omics, Revvity
Classification: Uncertain significance. Last evaluated: 2023-06-07. Review status: criteria provided, single submitter. Criteria: ACMG Guidelines, 2015. Collection method: clinical testing. Allele origin: germline.

Labcorp Genetics (formerly Invitae), Labcorp
Classification: Uncertain significance for RYR1-related disorder. Last evaluated: 2022-08-09. Review status: criteria provided, single submitter. Criteria: Invitae Variant Classification Sherloc (09022015). Collection method: clinical testing. Allele origin: germline.
Comment: This variant is not present in population databases (gnomAD no frequency). This variant has not been reported in the literature in individuals affected with RYR1-related conditions. Advanced modeling of protein sequence and biophysical properties (such as structural, functional, and spatial information, amino acid conservation, physicochemical variation, residue mobility, and thermodynamic stability) performed at Invitae indicates that this missense variant is expected to disrupt RYR1 protein function. In summary, the available evidence is currently insufficient to determine the role of this variant in disease. Therefore, it has been classified as a Variant of Uncertain Significance. This sequence change replaces glutamic acid, which is acidic and polar, with lysine, which is basic and polar, at codon 812 of the RYR1 protein (p.Glu812Lys).

NM_000540.3(RYR1):c.2434G>A (p.Glu812Lys)

Gene: RYR1 (ryanodine receptor 1; plus strand). Cytogenetic location: 19q13.2.
Variant type: single nucleotide variant.
Coding change: c.2434G>A on transcript NM_000540.3 (MANE Select); coding-DNA position 2434, G replaced by A.
Protein change: p.Glu812Lys; replaces glutamic acid 812 with lysine.
Molecular consequence: missense variant.
Genome position (GRCh38, 1-based): chr19:38,460,448, G>A. VCF-style: chr19-38460448-G-A. GRCh37 (hg19) VCF-style: chr19-38951088-G-A.
Other names: c.2434G>A, p.Glu812Lys (NM_001042723.2); short protein forms E812K.
Identifiers: ClinVar variation 2170524 (VCV002170524.6), dbSNP rs2514054814, ClinGen allele CA405628998.